The following is an entry in ClinVar:

ClinVar aggregate classification (germline): Likely benign. Review status: criteria provided, multiple submitters, no conflicts (2 of 4 stars). 3 submissions from 3 submitters: Likely benign (2). 1 of the submissions does not count toward it. Last evaluated 2025-05-07.

Conditions:
GLI2-related disorder. Also called: GLI2-related disorders; GLI2-related condition.
Postaxial polydactyly-anterior pituitary anomalies-facial dysmorphism syndrome. Also called: Culler-Jones syndrome. Identifiers: Orphanet 420584, MedGen C4014479, MONDO:0014369, OMIM 615849.
Holoprosencephaly 9 (HPE9). Also called: HOLOPROSENCEPHALY WITH MICROPHTHALMIA AND FIRST BRANCHIAL ARCH ANOMALIES; PITUITARY ANOMALIES WITH HOLOPROSENCEPHALY-LIKE FEATURES. Identifiers: Orphanet 2162, MedGen C1835819, MONDO:0012563, OMIM 610829.

Allele frequency attached by ClinVar (database versions not stated): ESP Exome Variant Server 0.00008; TOPMed 0.00008; gnomAD 0.00009; gnomAD exomes 0.00009; ExAC 0.00010.
gnomAD v4.1: 146 of 1,613,894 alleles (0.009%); highest among the groups gnomAD compares: East Asian, 0.02%; no homozygotes.

Submissions (3):

Labcorp Genetics (formerly Invitae), Labcorp
Classification: Likely benign for Postaxial polydactyly-anterior pituitary anomalies-facial dysmorphism syndrome; Holoprosencephaly 9. Last evaluated: 2025-05-07. Review status: criteria provided, single submitter. Criteria: Invitae Variant Classification Sherloc (09022015). Collection method: clinical testing. Allele origin: germline.

Blueprint Genetics
Classification: Likely benign. Last evaluated: 2022-11-22. Review status: criteria provided, single submitter. Criteria: ACMG Guidelines, 2015. Collection method: clinical testing. Allele origin: germline.

PreventionGenetics, part of Exact Sciences
Classification: Likely benign for GLI2-related condition. Last evaluated: 2021-01-05. Review status: no assertion criteria provided. Collection method: clinical testing. Allele origin: germline. Not counted in ClinVar's aggregate classification.
Comment: This variant is classified as likely benign based on ACMG/AMP sequence variant interpretation guidelines (Richards et al. 2015 PMID: 25741868, with internal and published modifications).

NM_001374353.1(GLI2):c.78C>T (p.Pro26=)

Gene: GLI2 (GLI family zinc finger 2; plus strand). Cytogenetic location: 2q14.2.
Variant type: single nucleotide variant.
Coding change: c.78C>T on transcript NM_001374353.1 (MANE Select); coding-DNA position 78, C replaced by T.
Protein change: p.Pro26=; no amino-acid change (proline 26 retained).
Molecular consequence: synonymous variant. On other transcripts: 5 prime UTR variant (1).
Genome position (GRCh38, 1-based): chr2:120,797,398, C>T. VCF-style: chr2-120797398-C-T. GRCh37 (hg19) VCF-style: chr2-121554974-C-T.
Other names: c.78C>T, p.Pro26= (NM_001371271.1, NM_005270.5); c.-192C>T (NM_001374354.1).
Identifiers: ClinVar variation 706011 (VCV000706011.12), dbSNP rs373668718, ClinGen allele CA1851389.
Genomic context (GRCh38, chr2:120,797,398, plus strand): 5'-AGCCACTGCCTCCGAGAAGCAAGAAGCCAAAAGTGGGATCCTGGAGGCCGCTGGCTTCCC[C>T]GACCCGGGTAAAAAGGCCTCTCCTTTGGTGGTGGCTGCAGCGGCAGCAGCAGCGGTAGCT-3'
Protein context (NP_001361282.1, residues 16-36): KSGILEAAGF[Pro26=]DPGKKASPLV